The following is an entry in ClinVar:

NM_001379659.1(ZNF142):c.43G>C (p.Gly15Arg)

Gene: ZNF142 (zinc finger protein 142; minus strand). Cytogenetic location: 2q35.
Variant type: single nucleotide variant.
Coding change: c.43G>C on transcript NM_001379659.1 (MANE Select); coding-DNA position 43, G replaced by C.
Protein change: p.Gly15Arg; replaces glycine 15 with arginine.
Molecular consequence: missense variant.
Genome position (GRCh38, 1-based): chr2:218,656,387, C>G on the plus strand (G>C on the coding strand, the complement: ZNF142 is on the minus strand). VCF-style: chr2-218656387-C-G. GRCh37 (hg19) VCF-style: chr2-219521110-C-G.
Other names: c.43G>C, p.Gly15Arg (NM_001367341.1, NM_001367342.1, NM_001379660.1 and 7 more transcripts); c.-569G>C (NM_001366287.3, NM_001366288.3, NM_001366289.3); short protein forms G15R.
Identifiers: ClinVar variation 4711639 (VCV004711639.1).

ClinVar aggregate classification (germline): Uncertain significance (1 of 4 stars; one submission).

gnomAD v4.1: 4 of 1,449,284 alleles (0.00028%); highest among the groups gnomAD compares: Non-Finnish European, 0.00037%; no homozygotes.

Submission:

Labcorp Genetics (formerly Invitae), Labcorp
Classification: Uncertain significance. Last evaluated: 2025-01-11. Review status: criteria provided, single submitter. Criteria: Invitae Variant Classification Sherloc (09022015). Collection method: clinical testing. Allele origin: germline.
Comment: This sequence change replaces glycine, which is neutral and non-polar, with arginine, which is basic and polar, at codon 15 of the ZNF142 protein (p.Gly15Arg). This variant is present in population databases (rs61733649, gnomAD 0.001%). This variant has not been reported in the literature in individuals affected with ZNF142-related conditions. An algorithm developed to predict the effect of missense changes on protein structure and function outputs the following: PolyPhen-2: "Probably Damaging". The arginine amino acid residue is found in multiple mammalian species, which suggests that this missense change does not adversely affect protein function. In summary, the available evidence is currently insufficient to determine the role of this variant in disease. Therefore, it has been classified as a Variant of Uncertain Significance.